The following is an entry in ClinVar:

ClinVar aggregate classification (germline): Uncertain significance (1 of 4 stars; one submission).

Submission:

GeneDx
Classification: Uncertain significance. Last evaluated: 2022-08-04. Review status: criteria provided, single submitter. Criteria: GeneDx Variant Classification Process June 2021. Collection method: clinical testing. Allele origin: germline. Affected: yes.
Comment: Not observed at significant frequency in large population cohorts (gnomAD); In silico analysis supports that this missense variant has a deleterious effect on protein structure/function; Has not been previously published as pathogenic or benign to our knowledge

NM_001042424.3(NSD2):c.1964C>T (p.Ser655Phe)

Gene: NSD2 (nuclear receptor binding SET domain protein 2; plus strand). Cytogenetic location: 4p16.3.
Variant type: single nucleotide variant.
Coding change: c.1964C>T on transcript NM_001042424.3 (MANE Select); coding-DNA position 1964, C replaced by T.
Protein change: p.Ser655Phe; replaces serine 655 with phenylalanine.
Molecular consequence: missense variant.
Genome position (GRCh38, 1-based): chr4:1,951,154, C>T. VCF-style: chr4-1951154-C-T. GRCh37 (hg19) VCF-style: chr4-1952881-C-T.
Other names: c.1964C>T, p.Ser655Phe (NM_133330.3, NM_133331.3, NM_133335.4); short protein forms S655F.
Identifiers: ClinVar variation 2428981 (VCV002428981.2), dbSNP rs2474602466, ClinGen allele CA355982265.